The following is an entry in ClinVar:

ClinVar aggregate classification (germline): Uncertain significance (1 of 4 stars; one submission).

gnomAD v4.1: 37 of 1,614,080 alleles (0.0023%); highest among the groups gnomAD compares: South Asian, 0.0077%; 1 homozygote.

Submission:

Labcorp Genetics (formerly Invitae), Labcorp
Classification: Uncertain significance. Last evaluated: 2024-11-11. Review status: criteria provided, single submitter. Criteria: Invitae Variant Classification Sherloc (09022015). Collection method: clinical testing. Allele origin: germline.
Comment: This sequence change replaces proline, which is neutral and non-polar, with serine, which is neutral and polar, at codon 1636 of the IGSF10 protein (p.Pro1636Ser). This variant is present in population databases (rs751405477, gnomAD 0.01%). This variant has not been reported in the literature in individuals affected with IGSF10-related conditions. ClinVar contains an entry for this variant (Variation ID: 2419892). An algorithm developed to predict the effect of missense changes on protein structure and function outputs the following: PolyPhen-2: "Benign". The serine amino acid residue is found in multiple mammalian species, which suggests that this missense change does not adversely affect protein function. In summary, the available evidence is currently insufficient to determine the role of this variant in disease. Therefore, it has been classified as a Variant of Uncertain Significance.

NM_178822.5(IGSF10):c.4906C>T (p.Pro1636Ser)

Gene: IGSF10 (immunoglobulin superfamily member 10; minus strand). Cytogenetic location: 3q25.1.
Variant type: single nucleotide variant.
Coding change: c.4906C>T on transcript NM_178822.5 (MANE Select); coding-DNA position 4906, C replaced by T.
Protein change: p.Pro1636Ser; replaces proline 1636 with serine.
Molecular consequence: missense variant.
Genome position (GRCh38, 1-based): chr3:151,445,075, G>A on the plus strand (C>T on the coding strand, the complement: IGSF10 is on the minus strand). VCF-style: chr3-151445075-G-A. GRCh37 (hg19) VCF-style: chr3-151162863-G-A.
Other names: c.4906C>T, p.Pro1636Ser (NM_001385060.1, NM_001385061.1, NM_001385062.1 and 1 more transcripts); short protein forms P1636S.
Identifiers: ClinVar variation 2419892 (VCV002419892.6), dbSNP rs751405477, ClinGen allele CA2669879.
Genomic context (GRCh38, chr3:151,445,075, plus strand): 5'-CAGCTTTTCCTCCAACTATCCTGGGCTTTTCAAATATATACCTAGACAAAGAGTCAAAGG[G>A]AAGGAGTTTGGAAGTTGTTGCTTCTTGAACTGGTTTCTTATCAAAGTCACTCTTCTTTGT-3'
Protein context (NP_849144.2, residues 1626-1646): VQEATTSKLL[Pro1636Ser]FDSLSRYIFE